The following is an entry in ClinVar:

NM_001204.7(BMPR2):c.88C>T (p.Gln30Ter)

Gene: BMPR2 (bone morphogenetic protein receptor type 2; plus strand). Cytogenetic location: 2q33.1.
Variant type: single nucleotide variant.
Coding change: c.88C>T on transcript NM_001204.7 (MANE Select); coding-DNA position 88, C replaced by T.
Protein change: p.Gln30Ter; replaces glutamine 30 with a stop codon.
Molecular consequence: nonsense.
Genome position (GRCh38, 1-based): chr2:202,464,820, C>T. VCF-style: chr2-202464820-C-T. GRCh37 (hg19) VCF-style: chr2-203329543-C-T.
Other names: c.88C>T, p.Q30* (LRG_712t1); short protein forms Q30*.
Identifiers: ClinVar variation 425700 (VCV000425700.2), dbSNP rs1085307161, ClinGen allele CA350398991.

ClinVar aggregate classification (germline): Pathogenic. Review status: criteria provided, single submitter (1 of 4 stars). 2 submissions from 2 submitters: Pathogenic (1). 1 of the submissions does not count toward it.

Conditions:
Pulmonary venoocclusive disease 1 (PVOD1). Also called: Pulmonary venoocclusive disease 1, autosomal dominant. Identifiers: Orphanet 31837, MedGen C3887658, MONDO:0020713, OMIM 265450.
Pulmonary hypertension, primary, 1 (PPH1). Also called: Pulmonary hypertension, familial primary, 1, with or without HHT. Identifiers: Orphanet 422, MedGen C4552070, MONDO:0024533, OMIM 178600.

Submissions (2):

Juno Genomics, Hangzhou Juno Genomics, Inc
Classification: Pathogenic for Pulmonary hypertension, primary, 1; Pulmonary venoocclusive disease 1. Review status: criteria provided, single submitter. Criteria: ACMG Guidelines, 2015. Collection method: clinical testing. Allele origin: germline. Affected: yes.
Comment: Absent from controls (or at extremely low frequency if recessive) in Genome Aggregation Database, Exome Sequencing Project, 1000 Genomes Project, or Exome Aggregation Consortium.;Null variant in a gene where loss of function (LOF) is a known mechanism of disease.;The prevalence of the variant in affected individuals is significantly increased compared to the prevalence in controls.

Rare Disease Genomics Group, St George's University of London
Classification: Pathogenic for Primary pulmonary hypertension. Review status: no assertion criteria provided. Collection method: literature only. Allele origin: germline. Affected: yes. Not counted in ClinVar's aggregate classification.

Literature cited by the submitters: PubMed 21737554 (cited by Rare Disease Genomics Group, St George's University of London).